The following is an entry in ClinVar:

NM_001365999.1(SZT2):c.8254C>T (p.Arg2752Cys)

Gene: SZT2 (SZT2 subunit of KICSTOR complex; plus strand). Cytogenetic location: 1p34.2.
Variant type: single nucleotide variant.
Coding change: c.8254C>T on transcript NM_001365999.1 (MANE Select); coding-DNA position 8254, C replaced by T.
Protein change: p.Arg2752Cys; replaces arginine 2752 with cysteine.
Molecular consequence: missense variant.
Genome position (GRCh38, 1-based): chr1:43,442,921, C>T. VCF-style: chr1-43442921-C-T. GRCh37 (hg19) VCF-style: chr1-43908592-C-T.
Other names: c.8083C>T, p.Arg2695Cys (NM_015284.4); short protein forms R2695C, R2752C.
Identifiers: ClinVar variation 655784 (VCV000655784.11), dbSNP rs1010639779, ClinGen allele CA810496.

ClinVar aggregate classification (germline): Uncertain significance. Review status: criteria provided, multiple submitters, no conflicts (2 of 4 stars). 6 submissions from 6 submitters: Uncertain significance (6). Last evaluated 2026-04-24.

Conditions:
Inborn genetic diseases. Identifiers: MedGen C0950123, MeSH D030342.
Developmental and epileptic encephalopathy, 18 (DEE18). Also called: Early infantile epileptic encephalopathy 18. Identifiers: Orphanet 369894, MedGen C3809624, MONDO:0014201, OMIM 615476.

Allele frequency attached by ClinVar (database versions not stated): gnomAD 0.00001; TOPMed 0.00002; ExAC 0.00003; gnomAD exomes 0.00003.
gnomAD v4.1: 24 of 1,613,970 alleles (0.0015%); highest among the groups gnomAD compares: Admixed American, 0.013%; no homozygotes.

Submissions (6):

Ambry Genetics
Classification: Uncertain significance for Inborn genetic diseases. Last evaluated: 2026-04-24. Review status: criteria provided, single submitter. Criteria: Ambry Variant Classification Scheme 2023. Collection method: clinical testing. Allele origin: germline.
Comment: The c.8083C>T (p.R2695C) alteration is located in exon 58 (coding exon 58) of the SZT2 gene. This alteration results from a C to T substitution at nucleotide position 8083, causing the arginine (R) at amino acid position 2695 to be replaced by a cysteine (C). Based on data from gnomAD, the T allele has an overall frequency of 0.003% (7/251376) total alleles studied. The highest observed frequency was 0.015% (5/34560) of Latino alleles. Based on insufficient or conflicting evidence, the clinical significance of this alteration remains unclear.

Genomic Medicine Center of Excellence, King Faisal Specialist Hospital and Research Centre
Classification: Uncertain significance for Developmental and epileptic encephalopathy, 18. Last evaluated: 2024-03-29. Review status: criteria provided, single submitter. Criteria: ACMG Guidelines, 2015. Collection method: clinical testing. Allele origin: germline.

Genome-Nilou Lab
Classification: Uncertain significance for Developmental and epileptic encephalopathy, 18. Last evaluated: 2023-04-11. Review status: criteria provided, single submitter. Criteria: ACMG Guidelines, 2015. Collection method: clinical testing. Allele origin: germline. Affected: no.

Labcorp Genetics (formerly Invitae), Labcorp
Classification: Uncertain significance. Last evaluated: 2022-03-19. Review status: criteria provided, single submitter. Criteria: Invitae Variant Classification Sherloc (09022015). Collection method: clinical testing. Allele origin: germline.
Comment: This sequence change replaces arginine, which is basic and polar, with cysteine, which is neutral and slightly polar, at codon 2695 of the SZT2 protein (p.Arg2695Cys). This variant is present in population databases (no rsID available, gnomAD 0.01%). This variant has not been reported in the literature in individuals affected with SZT2-related conditions. ClinVar contains an entry for this variant (Variation ID: 655784). Algorithms developed to predict the effect of missense changes on protein structure and function (SIFT, PolyPhen-2, Align-GVGD) all suggest that this variant is likely to be disruptive. In summary, the available evidence is currently insufficient to determine the role of this variant in disease. Therefore, it has been classified as a Variant of Uncertain Significance.

GeneDx
Classification: Uncertain significance. Last evaluated: 2021-10-26. Review status: criteria provided, single submitter. Criteria: GeneDx Variant Classification Process June 2021. Collection method: clinical testing. Allele origin: germline. Affected: yes.
Comment: Not observed at a significant frequency in large population cohorts (Lek et al., 2016); In silico analysis supports that this missense variant has a deleterious effect on protein structure/function; Has not been previously published as pathogenic or benign to our knowledge

Blueprint Genetics
Classification: Uncertain significance. Last evaluated: 2021-06-16. Review status: criteria provided, single submitter. Criteria: ACMG Guidelines, 2015. Collection method: clinical testing. Allele origin: germline.